The following is an entry in ClinVar:

ClinVar aggregate classification (germline): Uncertain significance (1 of 4 stars; one submission).

Conditions:
Pitt-Hopkins-like syndrome 2 (PTHSL2). Identifiers: Orphanet 221150, Orphanet 600663, MedGen C3280479, MONDO:0013690, OMIM 614325.

Allele frequency attached by ClinVar (database versions not stated): gnomAD exomes below 0.00001; ExAC 0.00002.
gnomAD v4.1: 6 of 1,614,048 alleles (0.00037%); highest among the groups gnomAD compares: South Asian, 0.0066%; no homozygotes.

Submission:

Labcorp Genetics (formerly Invitae), Labcorp
Classification: Uncertain significance for Pitt-Hopkins-like syndrome 2. Last evaluated: 2022-02-02. Review status: criteria provided, single submitter. Criteria: Invitae Variant Classification Sherloc (09022015). Collection method: clinical testing. Allele origin: germline.
Comment: In summary, the available evidence is currently insufficient to determine the role of this variant in disease. Therefore, it has been classified as a Variant of Uncertain Significance. Algorithms developed to predict the effect of missense changes on protein structure and function (SIFT, PolyPhen-2, Align-GVGD) all suggest that this variant is likely to be tolerated. This variant has not been reported in the literature in individuals affected with NRXN1-related conditions. This variant is present in population databases (rs754867240, gnomAD 0.01%). This sequence change replaces serine, which is neutral and polar, with asparagine, which is neutral and polar, at codon 1533 of the NRXN1 protein (p.Ser1533Asn).

NM_001330078.2(NRXN1):c.4478G>A (p.Ser1493Asn)

Gene: NRXN1 (neurexin 1; minus strand). Cytogenetic location: 2p16.3.
Variant type: single nucleotide variant.
Coding change: c.4478G>A on transcript NM_001330078.2 (MANE Select); coding-DNA position 4478, G replaced by A.
Protein change: p.Ser1493Asn; replaces serine 1493 with asparagine.
Molecular consequence: missense variant.
Genome position (GRCh38, 1-based): chr2:49,921,990, C>T on the plus strand (G>A on the coding strand, the complement: NRXN1 is on the minus strand). VCF-style: chr2-49921990-C-T. GRCh37 (hg19) VCF-style: chr2-50149128-C-T.
Other names: c.4598G>A, p.Ser1533Asn (NM_001135659.3); c.383G>A, p.Ser128Asn (NM_001320156.4); c.374G>A, p.Ser125Asn (NM_001320157.4); c.4454G>A, p.Ser1485Asn (NM_001330077.2); c.4445G>A, p.Ser1482Asn (NM_001330082.2); c.4313G>A, p.Ser1438Asn (NM_001330083.2); c.4412G>A, p.Ser1471Asn (NM_001330084.2); c.4451G>A, p.Ser1484Asn (NM_001330085.2); and 12 more; short protein forms S128N, S1438N, S1463N, S1471N, S1482N, S1490N, S425N, S125N.
Identifiers: ClinVar variation 2056129 (VCV002056129.4), dbSNP rs754867240, ClinGen allele CA1654207.